The following is an entry in ClinVar:

NM_000214.3(JAG1):c.2618G>C (p.Gly873Ala)

Gene: JAG1 (jagged canonical Notch ligand 1; minus strand). Cytogenetic location: 20p12.2.
Variant type: single nucleotide variant.
Coding change: c.2618G>C on transcript NM_000214.3 (MANE Select); coding-DNA position 2618, G replaced by C.
Protein change: p.Gly873Ala; replaces glycine 873 with alanine.
Molecular consequence: missense variant.
Genome position (GRCh38, 1-based): chr20:10,641,847, C>G on the plus strand (G>C on the coding strand, the complement: JAG1 is on the minus strand). VCF-style: chr20-10641847-C-G. GRCh37 (hg19) VCF-style: chr20-10622495-C-G.
Other names: c.2618G>C (NM_000214.2); short protein forms G873A.
Identifiers: ClinVar variation 2755542 (VCV002755542.4), dbSNP rs2514509582, ClinGen allele CA408245352.

ClinVar aggregate classification (germline): Uncertain significance. Review status: criteria provided, multiple submitters, no conflicts (2 of 4 stars). 2 submissions from 2 submitters: Uncertain significance (2). Last evaluated 2026-02-14.

Conditions:
Cardiovascular phenotype. Identifiers: MedGen CN230736.
Alagille syndrome due to a JAG1 point mutation. Also called: HEPATIC DUCTULAR HYPOPLASIA, SYNDROMATIC; Alagille Syndrome 1; JAG1-Related Alagille Syndrome. Identifiers: Orphanet 261619, Orphanet 52, MedGen C1956125, MONDO:0016862, OMIM 118450.

Submissions (2):

Ambry Genetics
Classification: Uncertain significance for Cardiovascular phenotype. Last evaluated: 2026-02-14. Review status: criteria provided, single submitter. Criteria: Ambry Variant Classification Scheme 2023. Collection method: clinical testing. Allele origin: germline.
Comment: The p.G873A variant (also known as c.2618G>C), located in coding exon 22 of the JAG1 gene, results from a G to C substitution at nucleotide position 2618. The glycine at codon 873 is replaced by alanine, an amino acid with similar properties. This amino acid position is conserved. In addition, the in silico prediction for this alteration is inconclusive. Based on the available evidence, the clinical significance of this variant remains unclear.

Labcorp Genetics (formerly Invitae), Labcorp
Classification: Uncertain significance for Alagille syndrome due to a JAG1 point mutation. Last evaluated: 2023-08-27. Review status: criteria provided, single submitter. Criteria: Invitae Variant Classification Sherloc (09022015). Collection method: clinical testing. Allele origin: germline.
Comment: This variant has not been reported in the literature in individuals affected with JAG1-related conditions. This variant is not present in population databases (gnomAD no frequency). This sequence change replaces glycine, which is neutral and non-polar, with alanine, which is neutral and non-polar, at codon 873 of the JAG1 protein (p.Gly873Ala). In summary, the available evidence is currently insufficient to determine the role of this variant in disease. Therefore, it has been classified as a Variant of Uncertain Significance. Advanced modeling of protein sequence and biophysical properties (such as structural, functional, and spatial information, amino acid conservation, physicochemical variation, residue mobility, and thermodynamic stability) performed at Invitae indicates that this missense variant is not expected to disrupt JAG1 protein function.